The following is an entry in ClinVar:

NM_004360.5(CDH1):c.1796C>G (p.Thr599Ser)

Gene: CDH1 (cadherin 1; plus strand). Cytogenetic location: 16q22.1.
Variant type: single nucleotide variant.
Coding change: c.1796C>G on transcript NM_004360.5 (MANE Select); coding-DNA position 1796, C replaced by G.
Protein change: p.Thr599Ser; replaces threonine 599 with serine.
Molecular consequence: missense variant. On other transcripts: 5 prime UTR variant (1).
Genome position (GRCh38, 1-based): chr16:68,822,085, C>G. VCF-style: chr16-68822085-C-G. GRCh37 (hg19) VCF-style: chr16-68855988-C-G.
Other names: c.248C>G, p.Thr83Ser (NM_001317185.2); c.-170C>G (NM_001317186.2); c.1613C>G, p.Thr538Ser (NM_001317184.2); short protein forms T538S, T599S, T83S.
Identifiers: ClinVar variation 1326787 (VCV001326787.11), dbSNP rs377302798, ClinGen allele CA283312012.

ClinVar aggregate classification (germline): Uncertain significance. Review status: criteria provided, multiple submitters, no conflicts (2 of 4 stars). 3 submissions from 3 submitters: Uncertain significance (3). Last evaluated 2024-03-20.

Conditions:
Hereditary diffuse gastric adenocarcinoma (HDGC). Also called: DIFFUSE GASTRIC AND LOBULAR BREAST CANCER SYNDROME. Identifiers: Orphanet 26106, MedGen C1708349, MONDO:0007648, OMIM 137215.
Hereditary cancer-predisposing syndrome. Also called: Hereditary Cancer Syndrome; Hereditary neoplastic syndrome; Neoplastic Syndromes, Hereditary; Tumor predisposition. Identifiers: Orphanet 140162, MedGen C0027672, MeSH D009386, MONDO:0015356.

Allele frequency attached by ClinVar (database versions not stated): gnomAD exomes below 0.00001.
gnomAD v4.1: 4 of 1,614,062 alleles (0.00025%); highest among the groups gnomAD compares: South Asian, 0.0033%; no homozygotes.

Submissions (3):

Labcorp Genetics (formerly Invitae), Labcorp
Classification: Uncertain significance for Hereditary diffuse gastric adenocarcinoma. Last evaluated: 2024-03-20. Review status: criteria provided, single submitter. Criteria: Invitae Variant Classification Sherloc (09022015). Collection method: clinical testing. Allele origin: germline.
Comment: This sequence change replaces threonine, which is neutral and polar, with serine, which is neutral and polar, at codon 599 of the CDH1 protein (p.Thr599Ser). This variant is not present in population databases (gnomAD no frequency). This variant has not been reported in the literature in individuals affected with CDH1-related conditions. ClinVar contains an entry for this variant (Variation ID: 1326787). Algorithms developed to predict the effect of missense changes on protein structure and function output the following: SIFT: "Not Available"; PolyPhen-2: "Benign"; Align-GVGD: "Not Available". The serine amino acid residue is found in multiple mammalian species, which suggests that this missense change does not adversely affect protein function. Experimental studies are conflicting or provide insufficient evidence to determine the effect of this variant on CDH1 function (PMID: 27582386). In summary, the available evidence is currently insufficient to determine the role of this variant in disease. Therefore, it has been classified as a Variant of Uncertain Significance.

Ambry Genetics
Classification: Uncertain significance for Hereditary cancer-predisposing syndrome. Last evaluated: 2023-11-30. Review status: criteria provided, single submitter. Criteria: Ambry Variant Classification Scheme 2023. Collection method: clinical testing. Allele origin: germline.
Comment: The p.T599S variant (also known as c.1796C>G), located in coding exon 12 of the CDH1 gene, results from a C to G substitution at nucleotide position 1796. The threonine at codon 599 is replaced by serine, an amino acid with similar properties. In one functional study, this alteration demonstrated partial function with respect to adhesion activation (Petrova YI et al. Mol Biol Cell, 2016 11;27:3233-3244). In one case-control study, this alteration was not observed in 315 polyposis or early-onset colorectal cancer patients and was observed with a minor allele frequency of 0.0001 in 866 controls (Lefevre JH et al. J Hum Genet, 2012 Nov;57:709-716). This amino acid position is poorly conserved in available vertebrate species. In addition, this alteration is predicted to be tolerated by in silico analysis. Since supporting evidence is limited at this time, the clinical significance of this alteration remains unclear.

GeneDx
Classification: Uncertain significance. Last evaluated: 2021-05-27. Review status: criteria provided, single submitter. Criteria: GeneDx Variant Classification Process June 2021. Collection method: clinical testing. Allele origin: germline. Affected: yes.
Comment: Observed in individuals with gastric and/or colon cancer (Suriano 2006); Not observed at significant frequency in large population cohorts (Lek 2016); In silico analysis supports that this missense variant does not alter protein structure/function; This variant is associated with the following publications: (PMID: 16924464)

Literature cited by the submitters: PubMed 27582386 (cited by Labcorp Genetics (formerly Invitae), Labcorp and Ambry Genetics); PubMed 10896919 (cited by Ambry Genetics); PubMed 22875147 (cited by Ambry Genetics).